The following is an entry in ClinVar:

NM_000088.4(COL1A1):c.563G>A (p.Gly188Asp)

Gene: COL1A1 (collagen type I alpha 1 chain; minus strand). Cytogenetic location: 17q21.33.
Variant type: single nucleotide variant.
Coding change: c.563G>A on transcript NM_000088.4 (MANE Select); coding-DNA position 563, G replaced by A.
Protein change: p.Gly188Asp; replaces glycine 188 with aspartic acid.
Molecular consequence: missense variant.
Genome position (GRCh38, 1-based): chr17:50,198,186, C>T on the plus strand (G>A on the coding strand, the complement: COL1A1 is on the minus strand). VCF-style: chr17-50198186-C-T. GRCh37 (hg19) VCF-style: chr17-48275547-C-T.
Other names: c.563G>A (LRG_1t1); c.563A>G (NM_000088.3); short protein forms G188D.
Identifiers: ClinVar variation 425634 (VCV000425634.13), dbSNP rs1114167408, ClinGen allele CA400225653.

ClinVar aggregate classification (germline): Pathogenic/Likely pathogenic. Review status: criteria provided, multiple submitters, no conflicts (2 of 4 stars). 4 submissions from 4 submitters: Pathogenic (1); Likely pathogenic (1). 2 of the submissions do not count toward it. Last evaluated 2025-03-17.

Conditions:
Combined osteogenesis imperfecta and Ehlers-Danlos syndrome 1. Also called: OIEDS SYNDROME 1. Identifiers: MedGen C5436842, MONDO:0030854, OMIM 619115.
Cardiovascular phenotype. Identifiers: MedGen CN230736.
Osteogenesis imperfecta type I (OI1). Also called: Lobstein's Disease; Lobstein disease; Osteogenesis imperfecta type 1; OI, TYPE I; OSTEOGENESIS IMPERFECTA TARDA; OSTEOGENESIS IMPERFECTA WITH BLUE SCLERAE. Identifiers: Orphanet 216796, Orphanet 666, MedGen C0023931, MONDO:0008146, OMIM 166200. Disease mechanism: loss of function.

Submissions (4):

Labcorp Genetics (formerly Invitae), Labcorp
Classification: Pathogenic for Osteogenesis imperfecta type I. Last evaluated: 2025-03-17. Review status: criteria provided, single submitter. Criteria: Invitae Variant Classification Sherloc (09022015). Collection method: clinical testing. Allele origin: germline.
Comment: This sequence change replaces glycine, which is neutral and non-polar, with aspartic acid, which is acidic and polar, at codon 188 of the COL1A1 protein (p.Gly188Asp). This variant is not present in population databases (gnomAD no frequency). This missense change has been observed in individual(s) with osteogenesis imperfecta (PMID: 27510842). ClinVar contains an entry for this variant (Variation ID: 425634). Invitae Evidence Modeling of protein sequence and biophysical properties (such as structural, functional, and spatial information, amino acid conservation, physicochemical variation, residue mobility, and thermodynamic stability) indicates that this missense variant is expected to disrupt COL1A1 protein function with a positive predictive value of 95%. This variant disrupts the triple helix domain of COL1A1. Glycine residues within the Gly-Xaa-Yaa repeats of the triple helix domain are required for the structure and stability of fibrillar collagens (PMID: 7695699, 8218237, 19344236). In COL1A1, variants affecting these glycine residues are significantly enriched in individuals with disease (PMID: 9016532, 17078022) compared to the general population (ExAC). For these reasons, this variant has been classified as Pathogenic.

Ambry Genetics
Classification: Likely pathogenic for Cardiovascular phenotype. Last evaluated: 2019-10-07. Review status: criteria provided, single submitter. Criteria: Ambry Variant Classification Scheme 2023. Collection method: clinical testing. Allele origin: germline.
Comment: The p.G188D variant (also known as c.563G>A), located in coding exon 7 of the COL1A1 gene, results from a G to A substitution at nucleotide position 563. The glycine at codon 188 is replaced by aspartic acid, an amino acid with similar properties. The majority of pathogenic mutations identified to date in COL1A1 have involved the substitution of another amino acid for glycine within the triple-helical domain (Dagleish R. Nucleic Acids Res. 1997 Jan 1;25(1):181-7; Marini JC et al. Hum Mutat. 2007 Mar;28(3):209-21; Bardai G et al. Osteoporos Int 2016 Dec;27(12):3607-3613). This particular glycine substitution has been reported in several osteogenesis imperfecta cohorts (Malfait F et al. Orphanet J Rare Dis, 2013 May;8:78; Lindahl K et al. Eur. J. Hum. Genet., 2015 Aug;23:1042-50). Functional studies in patient fibroblasts suggest that this alteration results in delayed processing of procollagen I into the mature protein (Malfait F et al. Orphanet J Rare Dis, 2013 May;8:78). Internal structural analysis indicates that this alteration disrupts the characteristic G-X-Y motif in the COL1A1 protein and inserts a bulky side chain into a sterically-constrained region (Bella J et al. Science. 1994;266:75-81; Hohenester E et al. Proc. Natl. Acad. Sci. U.S.A. 2008;105:18273-7; Ambry internal data). In addition, this alteration is predicted to be deleterious by in silico analysis. Based on the majority of available evidence to date, this variant is likely to be pathogenic.

OMIM
Classification: Pathogenic for COMBINED OSTEOGENESIS IMPERFECTA AND EHLERS-DANLOS SYNDROME 1. Last evaluated: 2020-12-10. Review status: no assertion criteria provided. Collection method: literature only. Allele origin: germline. Not counted in ClinVar's aggregate classification.

Department of Medical Sciences, Uppsala University
Classification: Pathogenic for OI type I. Review status: no assertion criteria provided. Collection method: clinical testing. Allele origin: unknown. Affected: yes. Observed: 1 variant allele. Not counted in ClinVar's aggregate classification.

Literature cited by the submitters: PubMed 27510842 (cited by Labcorp Genetics (formerly Invitae), Labcorp and Ambry Genetics); PubMed 7695699 (cited by Labcorp Genetics (formerly Invitae), Labcorp); PubMed 8218237 (cited by Labcorp Genetics (formerly Invitae), Labcorp); PubMed 19344236 (cited by Labcorp Genetics (formerly Invitae), Labcorp); PubMed 9016532 (cited by Labcorp Genetics (formerly Invitae), Labcorp); PubMed 17078022 (cited by Labcorp Genetics (formerly Invitae), Labcorp); PubMed 23692737 (cited by Ambry Genetics and OMIM); PubMed 25944380 (cited by Ambry Genetics and Department of Medical Sciences, Uppsala University); PubMed 28498836 (cited by Ambry Genetics).